The following is an entry in ClinVar:

ClinVar aggregate classification (germline): Uncertain significance (1 of 4 stars; one submission).

Conditions:
Hereditary cancer-predisposing syndrome. Also called: Tumor predisposition; Hereditary Cancer Syndrome; Hereditary neoplastic syndrome; Neoplastic Syndromes, Hereditary. Identifiers: Orphanet 140162, MedGen C0027672, MeSH D009386, MONDO:0015356.

Submission:

Ambry Genetics
Classification: Uncertain significance for Hereditary cancer-predisposing syndrome. Last evaluated: 2023-06-24. Review status: criteria provided, single submitter. Criteria: Ambry Variant Classification Scheme 2023. Collection method: clinical testing. Allele origin: germline.
Comment: The p.D1266G variant (also known as c.3797A>G), located in coding exon 25 of the ATM gene, results from an A to G substitution at nucleotide position 3797. The aspartic acid at codon 1266 is replaced by glycine, an amino acid with similar properties. This amino acid position is conserved. In addition, the in silico prediction for this alteration is inconclusive. Since supporting evidence is limited at this time, the clinical significance of this alteration remains unclear.

NM_000051.4(ATM):c.3797A>G (p.Asp1266Gly)

Gene: ATM (ATM serine/threonine kinase; plus strand). Cytogenetic location: 11q22.3.
Variant type: single nucleotide variant.
Coding change: c.3797A>G on transcript NM_000051.4 (MANE Select); coding-DNA position 3797, A replaced by G.
Protein change: p.Asp1266Gly; replaces aspartic acid 1266 with glycine.
Molecular consequence: missense variant.
Genome position (GRCh38, 1-based): chr11:108,284,277, A>G. VCF-style: chr11-108284277-A-G. GRCh37 (hg19) VCF-style: chr11-108155004-A-G.
Other names: c.3797A>G, p.Asp1266Gly (NM_001351834.2); short protein forms D1266G.
Identifiers: ClinVar variation 2587763 (VCV002587763.2), dbSNP rs2135705424, ClinGen allele CA382524671.